The following is an entry in ClinVar:

ClinVar aggregate classification (germline): Pathogenic (1 of 4 stars; one submission).
ClinVar aggregate classification (oncogenicity): Likely oncogenic (1 of 4 stars; one submission).

Conditions:
SHORT syndrome. Also called: PIK3R1-Related SHORT Syndrome; SHORT STATURE, HYPEREXTENSIBILITY, HERNIA, OCULAR DEPRESSION, RIEGER ANOMALY, AND TEETHING DELAY; LIPODYSTROPHY, PARTIAL, WITH RIEGER ANOMALY AND SHORT STATURE. Identifiers: Orphanet 3163, MedGen C0878684, MONDO:0010026, OMIM 269880.
Immunodeficiency 36 with lymphoproliferation. Also called: Immunodeficiency 36; ACTIVATED PI3K-DELTA SYNDROME 2; Activated PI3K Delta Syndrome Type 2 (APDS2). Identifiers: Orphanet 397596, Orphanet 693681, MedGen C4014934, MONDO:0014453, OMIM 616005.
Agammaglobulinemia 7, autosomal recessive (AGM7). Also called: AGAMMAGLOBULINEMIA, AUTOSOMAL RECESSIVE, DUE TO PIK3R1 DEFECT. Identifiers: MedGen C3554689, MONDO:0014083, OMIM 615214.
Neoplasm. Also called: Neoplasms; Neoplasm (disease); tumor. Identifiers: MedGen C0027651, MeSH D009369, MONDO:0005070, HP:0002664.

Submissions (2):

Center for Genomic Medicine, Rigshospitalet, Copenhagen University Hospital
Classification: Likely oncogenic for Neoplasm. Last evaluated: 2025-12-29. Review status: criteria provided, single submitter. Criteria: ClinGen/CGC/VICC Guidelines for Oncogenicity, 2022. Collection method: clinical testing. Allele origin: somatic. Affected: yes.

Labcorp Genetics (formerly Invitae), Labcorp
Classification: Pathogenic for SHORT syndrome; Immunodeficiency 36 with lymphoproliferation; Agammaglobulinemia 7, autosomal recessive. Last evaluated: 2017-04-21. Review status: criteria provided, single submitter. Criteria: Invitae Variant Classification Sherloc (09022015). Collection method: clinical testing. Allele origin: germline.
Comment: For these reasons, this variant has been classified as Pathogenic. While this particular variant has not been reported in the literature, loss-of-function variants in PIK3R1 are known to be pathogenic (PMID: 23810378, 23810382, 24886349). This sequence change duplicates 1 nucleotide in exon 13 of the PIK3R1 mRNA (c.1710dupT), causing a frameshift at codon 571. This creates a premature translational stop signal (p.Ile571Tyrfs*31) and is expected to result in an absent or disrupted protein product.

Literature cited by the submitters: PubMed 23810382 (cited by Center for Genomic Medicine, Rigshospitalet, Copenhagen University Hospital and Labcorp Genetics (formerly Invitae), Labcorp); PubMed 28934384 (cited by Center for Genomic Medicine, Rigshospitalet, Copenhagen University Hospital); PubMed 23810378 (cited by Labcorp Genetics (formerly Invitae), Labcorp); PubMed 24886349 (cited by Labcorp Genetics (formerly Invitae), Labcorp).

NM_181523.3(PIK3R1):c.1710dup (p.Ile571fs)

Gene: PIK3R1 (phosphoinositide-3-kinase regulatory subunit 1; plus strand). Cytogenetic location: 5q13.1.
Variant type: Duplication.
Coding change: c.1710dup on transcript NM_181523.3 (MANE Select); coding-DNA position 1710, one base duplicated (T; older notation c.1710dupT).
Protein change: p.Ile571fs; shifts the reading frame from isoleucine 571.
Molecular consequence: frameshift variant.
Genome position (GRCh38, 1-based): chr5:68,295,289, T duplicated; the last of 2 consecutive T bases (chr5:68,295,288-68,295,289); duplicating either gives the same sequence. VCF-style (leftmost placement, unchanged base first): chr5-68295287-C-CT. GRCh37 (hg19) VCF-style: chr5-67591115-C-CT.
Other names: c.621dup, p.Ile208fs (NM_001242466.2); c.900dup, p.Ile301fs (NM_181504.4); c.810dup, p.Ile271fs (NM_181524.2); c.1710dupT (NM_181523.3, NM_181523.2); short protein forms I208fs, I271fs, I301fs, I571fs.
Identifiers: ClinVar variation 571336 (VCV000571336.8), dbSNP rs1561299903, ClinGen allele CA444672786.